The following is an entry in ClinVar:

ClinVar aggregate classification (germline): Uncertain significance. Review status: criteria provided, multiple submitters, no conflicts (2 of 4 stars). 2 submissions from 2 submitters: Uncertain significance (2). Last evaluated 2025-11-03.

gnomAD v4.1: 3 of 1,609,614 alleles (0.00019%); highest among the groups gnomAD compares: Non-Finnish European, 0.00025%; no homozygotes.

Submissions (2):

Labcorp Genetics (formerly Invitae), Labcorp
Classification: Uncertain significance. Last evaluated: 2025-11-03. Review status: criteria provided, single submitter. Criteria: Invitae Variant Classification Sherloc (09022015). Collection method: clinical testing. Allele origin: germline.
Comment: This sequence change replaces proline, which is neutral and non-polar, with threonine, which is neutral and polar, at codon 293 of the SIX5 protein (p.Pro293Thr). This variant is not present in population databases (gnomAD no frequency). This variant has not been reported in the literature in individuals affected with SIX5-related conditions. ClinVar contains an entry for this variant (Variation ID: 3681916). Invitae Evidence Modeling of protein sequence and biophysical properties (such as structural, functional, and spatial information, amino acid conservation, physicochemical variation, residue mobility, and thermodynamic stability) indicates that this missense variant is not expected to disrupt SIX5 protein function with a negative predictive value of 80%. In summary, the available evidence is currently insufficient to determine the role of this variant in disease. Therefore, it has been classified as a Variant of Uncertain Significance.

Ambry Genetics
Classification: Uncertain significance. Last evaluated: 2025-03-07. Review status: criteria provided, single submitter. Criteria: Ambry Variant Classification Scheme 2023. Collection method: clinical testing. Allele origin: germline.

NM_175875.5(SIX5):c.877C>A (p.Pro293Thr)

Genes: SIX5 (SIX homeobox 5; minus strand), LOC107075317 (origin of replication in DMPK trinucleotide repeat region; plus strand). Cytogenetic location: 19q13.32.
Variant type: single nucleotide variant.
Coding change: c.877C>A on transcript NM_175875.5 (MANE Select); coding-DNA position 877, C replaced by A.
Protein change: p.Pro293Thr; replaces proline 293 with threonine.
Molecular consequence: missense variant.
Genome position (GRCh38, 1-based): chr19:45,767,082, G>T on the plus strand (C>A on the coding strand, the complement: SIX5 is on the minus strand). VCF-style: chr19-45767082-G-T. GRCh37 (hg19) VCF-style: chr19-46270340-G-T.
Other names: c.877C>A (NM_175875.4); short protein forms P293T.
Identifiers: ClinVar variation 3681916 (VCV003681916.3).